The following is an entry in ClinVar:

NM_024675.4(PALB2):c.2002A>G (p.Met668Val)

Gene: PALB2 (partner and localizer of BRCA2; minus strand). Cytogenetic location: 16p12.2.
Variant type: single nucleotide variant.
Coding change: c.2002A>G on transcript NM_024675.4 (MANE Select); coding-DNA position 2002, A replaced by G.
Protein change: p.Met668Val; replaces methionine 668 with valine.
Molecular consequence: missense variant.
Genome position (GRCh38, 1-based): chr16:23,630,152, T>C on the plus strand (A>G on the coding strand, the complement: PALB2 is on the minus strand). VCF-style: chr16-23630152-T-C. GRCh37 (hg19) VCF-style: chr16-23641473-T-C.
Other names: c.1942A>G, p.Met648Val (NM_001407296.1); c.2002A>G, p.Met668Val (NM_001407297.1, NM_001407298.1, NM_001407299.1 and 3 more transcripts); c.1117A>G, p.Met373Val (NM_001407304.1, NM_001407305.1, NM_001407306.1 and 5 more transcripts); c.214A>G, p.Met72Val (NM_001407312.1, NM_001407313.1); short protein forms M72V, M373V, M648V, M668V.
Identifiers: ClinVar variation 2051610 (VCV002051610.7), dbSNP rs2142383760, ClinGen allele CA395127162.

ClinVar aggregate classification (germline): Uncertain significance. Review status: criteria provided, multiple submitters, no conflicts (2 of 4 stars). 3 submissions from 3 submitters: Uncertain significance (3). Last evaluated 2025-07-03.

Conditions:
Hereditary cancer-predisposing syndrome. Also called: Hereditary neoplastic syndrome; Neoplastic Syndromes, Hereditary; Tumor predisposition; Hereditary Cancer Syndrome. Identifiers: Orphanet 140162, MedGen C0027672, MeSH D009386, MONDO:0015356.
Familial cancer of breast. Also called: hereditary breast carcinoma; BREAST CANCER, FAMILIAL; Hereditary breast cancer. Identifiers: Orphanet 227535, MedGen C0346153, MONDO:0016419, OMIM 114480. Disease mechanism: loss of function.

Allele frequency attached by ClinVar (database versions not stated): gnomAD exomes below 0.00001.
gnomAD v4.1: 1 of 1,614,206 alleles (0.000062%); highest among the groups gnomAD compares: Non-Finnish European, 0.000085%; no homozygotes.

Submissions (3):

Ambry Genetics
Classification: Uncertain significance for Hereditary cancer-predisposing syndrome. Last evaluated: 2025-07-03. Review status: criteria provided, single submitter. Criteria: Ambry Variant Classification Scheme 2023. Collection method: clinical testing. Allele origin: germline.
Comment: The p.M668V variant (also known as c.2002A>G), located in coding exon 5 of the PALB2 gene, results from an A to G substitution at nucleotide position 2002. The methionine at codon 668 is replaced by valine, an amino acid with highly similar properties. This amino acid position is conserved. In addition, this alteration is predicted to be tolerated by in silico analysis. Based on the available evidence, the clinical significance of this variant remains unclear.

Labcorp Genetics (formerly Invitae), Labcorp
Classification: Uncertain significance for Familial cancer of breast. Last evaluated: 2024-05-08. Review status: criteria provided, single submitter. Criteria: Invitae Variant Classification Sherloc (09022015). Collection method: clinical testing. Allele origin: germline.
Comment: This sequence change replaces methionine, which is neutral and non-polar, with valine, which is neutral and non-polar, at codon 668 of the PALB2 protein (p.Met668Val). This variant is not present in population databases (gnomAD no frequency). This variant has not been reported in the literature in individuals affected with PALB2-related conditions. ClinVar contains an entry for this variant (Variation ID: 2051610). Advanced modeling of protein sequence and biophysical properties (such as structural, functional, and spatial information, amino acid conservation, physicochemical variation, residue mobility, and thermodynamic stability) performed at Invitae indicates that this missense variant is not expected to disrupt PALB2 protein function with a negative predictive value of 80%. In summary, the available evidence is currently insufficient to determine the role of this variant in disease. Therefore, it has been classified as a Variant of Uncertain Significance.

Color Diagnostics, LLC DBA Color Health
Classification: Uncertain significance for Hereditary cancer-predisposing syndrome. Last evaluated: 2024-03-07. Review status: criteria provided, single submitter. Criteria: ACMG Guidelines, 2015. Collection method: clinical testing. Allele origin: germline.
Comment: This missense variant replaces methionine with valine at codon 668 of the PALB2 protein. Computational prediction suggests that this variant may not impact protein structure and function (internally defined REVEL score threshold <= 0.5, PMID: 27666373). To our knowledge, functional studies have not been reported for this variant. This variant has not been reported in individuals affected with hereditary cancer in the literature. This variant has not been identified in the general population by the Genome Aggregation Database (gnomAD). The available evidence is insufficient to determine the role of this variant in disease conclusively. Therefore, this variant is classified as a Variant of Uncertain Significance.